The following is an entry in ClinVar:

ClinVar aggregate classification (germline): Uncertain significance (1 of 4 stars; one submission).

Conditions:
Dilated cardiomyopathy 1G (CMD1G). Identifiers: Orphanet 154, MedGen C1858763, MONDO:0011400, OMIM 604145.
Autosomal recessive limb-girdle muscular dystrophy type 2J (LGMDR10). Also called: Limb-girdle muscular dystrophy, type 2J; MUSCULAR DYSTROPHY, LIMB-GIRDLE, AUTOSOMAL RECESSIVE 10. Identifiers: Orphanet 140922, MedGen C1837342, MONDO:0012127, OMIM 608807.

Allele frequency attached by ClinVar (database versions not stated): gnomAD exomes below 0.00001; TOPMed below 0.00001; gnomAD 0.00001.
gnomAD v4.1: 4 of 1,607,658 alleles (0.00025%); highest among the groups gnomAD compares: Non-Finnish European, 0.00034%; no homozygotes.

Submission:

Labcorp Genetics (formerly Invitae), Labcorp
Classification: Uncertain significance for Dilated cardiomyopathy 1G; Autosomal recessive limb-girdle muscular dystrophy type 2J. Last evaluated: 2022-01-06. Review status: criteria provided, single submitter. Criteria: Invitae Variant Classification Sherloc (09022015). Collection method: clinical testing. Allele origin: germline.
Comment: This variant is not present in population databases (gnomAD no frequency). This sequence change replaces alanine, which is neutral and non-polar, with valine, which is neutral and non-polar, at codon 33604 of the TTN protein (p.Ala33604Val). This variant is located in the M band of TTN (PMID: 25589632). Variants in this region may be relevant for neuromuscular disorders, but have not been definitively shown to cause cardiomyopathy (PMID: 23975875). In summary, the available evidence is currently insufficient to determine the role of this variant in disease. Therefore, it has been classified as a Variant of Uncertain Significance. Experimental studies and prediction algorithms are not available or were not evaluated, and the functional significance of this variant is currently unknown. This variant has not been reported in the literature in individuals affected with TTN-related conditions.

Literature cited by the submitters: PubMed 25589632; PubMed 23975875.

NM_001267550.2(TTN):c.100811C>T (p.Ala33604Val)

Genes: TTN (titin; minus strand), TTN-AS1 (TTN antisense RNA 1; plus strand). Cytogenetic location: 2q31.2.
Variant type: single nucleotide variant.
Coding change: c.100811C>T on transcript NM_001267550.2 (MANE Select); coding-DNA position 100811, C replaced by T.
Protein change: p.Ala33604Val; replaces alanine 33604 with valine.
Molecular consequence: missense variant. On other transcripts: non-coding transcript variant (1).
Genome position (GRCh38, 1-based): chr2:178,535,804, G>A on the plus strand (C>T on the coding strand, the complement: TTN is on the minus strand). VCF-style: chr2-178535804-G-A. GRCh37 (hg19) VCF-style: chr2-179400531-G-A.
Other names: c.95888C>T, p.Ala31963Val (NM_001256850.1); c.73616C>T, p.Ala24539Val (NM_003319.4); c.93107C>T, p.Ala31036Val (NM_133378.4); c.73991C>T, p.Ala24664Val (NM_133432.3); c.74192C>T, p.Ala24731Val (NM_133437.4); short protein forms A31963V, A24539V, A24731V, A24664V, A31036V, A33604V.
Identifiers: ClinVar variation 2076235 (VCV002076235.4), dbSNP rs1691172442, ClinGen allele CA349422885.